The following is an entry in ClinVar:

ClinVar aggregate classification (germline): Uncertain significance. Review status: criteria provided, multiple submitters, no conflicts (2 of 4 stars). 3 submissions from 3 submitters: Uncertain significance (2). 1 of the submissions does not count toward it. Last evaluated 2025-12-21.

Conditions:
Dystrophin deficiency.
Cardiomyopathy (CMYO). Also called: Cardiomyopathies. Identifiers: Orphanet 167848, MedGen C0878544, MONDO:0004994, HP:0001638. Inheritance: Various modes of inheritance.
Becker muscular dystrophy (BMD). Also called: Becker Muscular Dystrophy (BMD); MUSCULAR DYSTROPHY, PSEUDOHYPERTROPHIC PROGRESSIVE, BECKER TYPE. Identifiers: Orphanet 98895, MedGen C0917713, MONDO:0010311, OMIM 300376.
Duchenne muscular dystrophy (DMD). Also called: Duchenne Muscular Dystrophy (DMD); MUSCULAR DYSTROPHY, PSEUDOHYPERTROPHIC PROGRESSIVE, DUCHENNE TYPE. Identifiers: Orphanet 98896, MedGen C0013264, MONDO:0010679, OMIM 310200.

Allele frequency attached by ClinVar (database versions not stated): TOPMed below 0.00001; gnomAD exomes 0.00001 and 0.00002; gnomAD 0.00005.
gnomAD v4.1: 14 of 1,210,449 alleles (0.0012%); highest among the groups gnomAD compares: South Asian, 0.019%; no homozygotes.

Submissions (3):

Labcorp Genetics (formerly Invitae), Labcorp
Classification: Uncertain significance for Duchenne muscular dystrophy. Last evaluated: 2025-12-21. Review status: criteria provided, single submitter. Criteria: Invitae Variant Classification Sherloc (09022015). Collection method: clinical testing. Allele origin: germline.
Comment: This sequence change replaces glutamine, which is neutral and polar, with arginine, which is basic and polar, at codon 85 of the DMD protein (p.Gln85Arg). This variant is present in population databases (no rsID available, gnomAD 0.02%). This missense change has been observed in individual(s) with clinical features of DMD-related conditions (internal data). ClinVar contains an entry for this variant (Variation ID: 572269). Invitae Evidence Modeling of protein sequence and biophysical properties (such as structural, functional, and spatial information, amino acid conservation, physicochemical variation, residue mobility, and thermodynamic stability) indicates that this missense variant is not expected to disrupt DMD protein function with a negative predictive value of 95%. In summary, the available evidence is currently insufficient to determine the role of this variant in disease. Therefore, it has been classified as a Variant of Uncertain Significance.

Revvity Omics, Revvity
Classification: Uncertain significance. Last evaluated: 2022-12-22. Review status: criteria provided, single submitter. Criteria: ACMG Guidelines, 2015. Collection method: clinical testing. Allele origin: germline.

Natera, Inc.
Classification: Uncertain significance for Becker muscular dystrophy; Cardiomyopathy; Duchenne muscular dystrophy; Dystrophin deficiency. Last evaluated: 2020-11-04. Review status: no assertion criteria provided. Collection method: clinical testing. Allele origin: germline. Not counted in ClinVar's aggregate classification.

NM_004006.3(DMD):c.254A>G (p.Gln85Arg)

Gene: DMD (dystrophin; minus strand). Cytogenetic location: Xp21.1.
Variant type: single nucleotide variant.
Coding change: c.254A>G on transcript NM_004006.3 (MANE Select); coding-DNA position 254, A replaced by G.
Protein change: p.Gln85Arg; replaces glutamine 85 with arginine.
Molecular consequence: missense variant. On other transcripts: 5 prime UTR variant (1).
Genome position (GRCh38, 1-based): chrX:32,844,793, T>C on the plus strand (A>G on the coding strand, the complement: DMD is on the minus strand). VCF-style: chrX-32844793-T-C. GRCh37 (hg19) VCF-style: chrX-32862910-T-C.
Other names: c.230A>G, p.Gln77Arg (NM_000109.4); c.242A>G, p.Gln81Arg (NM_004009.3); c.-116A>G (NM_004010.3); short protein forms Q85R, Q77R, Q81R.
Identifiers: ClinVar variation 572269 (VCV000572269.10), dbSNP rs1297662991, ClinGen allele CA412674653.